The following is an entry in ClinVar:

ClinVar aggregate classification (germline): Uncertain significance. Review status: criteria provided, multiple submitters, no conflicts (2 of 4 stars). 2 submissions from 2 submitters: Uncertain significance (2). Last evaluated 2025-08-13.

Conditions:
Inborn genetic diseases. Identifiers: MedGen C0950123, MeSH D030342.
Autosomal recessive limb-girdle muscular dystrophy type 2A (LGMDR1). Also called: Calpainopathy; Muscular dystrophy, limb-girdle, type 2A, Amish; LEYDEN-MOEBIUS MUSCULAR DYSTROPHY; MUSCULAR DYSTROPHY, PELVOFEMORAL; Limb-girdle muscular dystrophy, type 2A. Identifiers: Orphanet 267, MedGen C1869123, MONDO:0009675, OMIM 253600. Disease mechanism: loss of function.

Submissions (2):

Ambry Genetics
Classification: Uncertain significance for Inborn genetic diseases. Last evaluated: 2025-08-13. Review status: criteria provided, single submitter. Criteria: Ambry Variant Classification Scheme 2023. Collection method: clinical testing. Allele origin: germline.

Labcorp Genetics (formerly Invitae), Labcorp
Classification: Uncertain significance for Autosomal recessive limb-girdle muscular dystrophy type 2A. Last evaluated: 2021-05-07. Review status: criteria provided, single submitter. Criteria: Invitae Variant Classification Sherloc (09022015). Collection method: clinical testing. Allele origin: germline.
Comment: In summary, the available evidence is currently insufficient to determine the role of this variant in disease. Therefore, it has been classified as a Variant of Uncertain Significance. Algorithms developed to predict the effect of missense changes on protein structure and function (SIFT, PolyPhen-2, Align-GVGD) all suggest that this variant is likely to be tolerated, but these predictions have not been confirmed by published functional studies and their clinical significance is uncertain. This variant has not been reported in the literature in individuals with CAPN3-related conditions. This variant is not present in population databases (ExAC no frequency). This sequence change replaces glutamine with arginine at codon 96 of the CAPN3 protein (p.Gln96Arg). The glutamine residue is moderately conserved and there is a small physicochemical difference between glutamine and arginine.

NM_000070.3(CAPN3):c.287A>G (p.Gln96Arg)

Gene: CAPN3 (calpain 3; plus strand). Cytogenetic location: 15q15.1.
Variant type: single nucleotide variant.
Coding change: c.287A>G on transcript NM_000070.3 (MANE Select); coding-DNA position 287, A replaced by G.
Protein change: p.Gln96Arg; replaces glutamine 96 with arginine.
Molecular consequence: missense variant.
Genome position (GRCh38, 1-based): chr15:42,360,092, A>G. VCF-style: chr15-42360092-A-G. GRCh37 (hg19) VCF-style: chr15-42652290-A-G.
Other names: c.287A>G (NM_000070.2); c.287A>G, p.Gln96Arg (NM_024344.2, NM_173087.2); short protein forms Q96R.
Identifiers: ClinVar variation 1509021 (VCV001509021.9), dbSNP rs2141102905, ClinGen allele CA391995246.